The following is an entry in ClinVar:

NM_000268.4(NF2):c.595G>A (p.Ala199Thr)

Gene: NF2 (NF2, moesin-ezrin-radixin like (MERLIN) tumor suppressor; plus strand). Cytogenetic location: 22q12.2.
Variant type: single nucleotide variant.
Coding change: c.595G>A on transcript NM_000268.4 (MANE Select); coding-DNA position 595, G replaced by A.
Protein change: p.Ala199Thr; replaces alanine 199 with threonine.
Molecular consequence: missense variant. On other transcripts: non-coding transcript variant (1), intron variant (1).
Genome position (GRCh38, 1-based): chr22:29,655,672, G>A. VCF-style: chr22-29655672-G-A. GRCh37 (hg19) VCF-style: chr22-30051661-G-A.
Other names: c.595G>A, p.Ala199Thr (NM_016418.5, NM_181825.3, NM_181832.3); c.469G>A, p.Ala157Thr (NM_181828.3); c.472G>A, p.Ala158Thr (NM_181829.3); c.346G>A, p.Ala116Thr (NM_181830.3, NM_181831.3); c.447+13387G>A (NM_181833.3); short protein forms A199T, A116T, A157T, A158T.
Identifiers: ClinVar variation 457924 (VCV000457924.42), dbSNP rs1261707371, ClinGen allele CA411142713.

ClinVar aggregate classification (germline): Conflicting classifications of pathogenicity. Review status: criteria provided, conflicting classifications (1 of 4 stars). 9 submissions from 9 submitters: Uncertain significance (8); Likely benign (1). Last evaluated 2026-02-03.

Conditions:
Hereditary cancer-predisposing syndrome. Also called: Hereditary neoplastic syndrome; Neoplastic Syndromes, Hereditary; Hereditary Cancer Syndrome; Tumor predisposition. Identifiers: Orphanet 140162, MedGen C0027672, MeSH D009386, MONDO:0015356.
Familial meningioma. Also called: Meningioma, familial, susceptibility to. Identifiers: Orphanet 263662, MedGen C3551915, MONDO:0011789, OMIM 607174.
Neurofibromatosis, type 2 (SWNV). Also called: SCHWANNOMATOSIS, VESTIBULAR; NF2-Related Schwannomatosis; BILATERAL ACOUSTIC NEUROFIBROMATOSIS. Identifiers: Orphanet 637, MedGen C0027832, MONDO:0007039, OMIM 101000. Disease mechanism: loss of function.

Allele frequency attached by ClinVar (database versions not stated): gnomAD exomes 0.00001; TOPMed 0.00001.
gnomAD v4.1: 15 of 1,612,174 alleles (0.00093%); highest among the groups gnomAD compares: Non-Finnish European, 0.001%; no homozygotes.

Submissions (9):

Labcorp Genetics (formerly Invitae), Labcorp
Classification: Likely benign for Neurofibromatosis, type 2. Last evaluated: 2026-02-03. Review status: criteria provided, single submitter. Criteria: Invitae Variant Classification Sherloc (09022015). Collection method: clinical testing. Allele origin: germline.

Color Diagnostics, LLC DBA Color Health
Classification: Uncertain significance for Neurofibromatosis, type 2. Last evaluated: 2025-08-20. Review status: criteria provided, single submitter. Criteria: ACMG Guidelines, 2015. Collection method: clinical testing. Allele origin: germline.
Comment: This missense variant replaces alanine with threonine at codon 199 of the NF2 protein. Computational prediction suggests that this variant may not impact protein structure and function. To our knowledge, functional studies have not been reported for this variant. This variant has not been reported in individuals affected with NF2-related disorders in the literature. This variant has been identified in 15/1612174 chromosomes in the general population by the Genome Aggregation Database (gnomAD v4.1.0). The available evidence is insufficient to determine the role of this variant in disease conclusively. Therefore, this variant is classified as a Variant of Uncertain Significance.

Ambry Genetics
Classification: Uncertain significance for Hereditary cancer-predisposing syndrome. Last evaluated: 2025-04-10. Review status: criteria provided, single submitter. Criteria: Ambry Variant Classification Scheme 2023. Collection method: clinical testing. Allele origin: germline.
Comment: The p.A199T variant (also known as c.595G>A), located in coding exon 6 of the NF2 gene, results from a G to A substitution at nucleotide position 595. The alanine at codon 199 is replaced by threonine, an amino acid with similar properties. This amino acid position is not well conserved in available vertebrate species. In addition, this alteration is predicted to be tolerated by in silico analysis. Based on the available evidence, the clinical significance of this variant remains unclear.

Fulgent Genetics
Classification: Uncertain significance for Neurofibromatosis, type 2; Familial meningioma. Last evaluated: 2024-05-29. Review status: criteria provided, single submitter. Criteria: ACMG Guidelines, 2015. Collection method: clinical testing. Allele origin: germline.

All of Us Research Program, National Institutes of Health
Classification: Uncertain significance for Neurofibromatosis, type 2. Last evaluated: 2024-01-03. Review status: criteria provided, single submitter. Criteria: ACMG Guidelines, 2015. Collection method: clinical testing. Allele origin: germline. Inheritance: Autosomal dominant inheritance. Observed: 3 variant alleles, 3 heterozygotes.
Comment: This missense variant replaces alanine with threonine at codon 199 of the NF2 protein. Computational prediction suggests that this variant may not impact protein structure and function (internally defined REVEL score threshold <= 0.5, PMID: 27666373). To our knowledge, functional studies have not been reported for this variant. This variant has not been reported in individuals affected with NF2-related disorders in the literature. This variant has been identified in 2/251176 chromosomes in the general population by the Genome Aggregation Database (gnomAD). The available evidence is insufficient to determine the role of this variant in disease conclusively. Therefore, this variant is classified as a Variant of Uncertain Significance.

This study involves interpretation of variants in research participants for the purpose of population health screening. Participant phenotype was not available at the time of variant classification. Additional details can be found in publication PMID: 35346344, PMCID: PMC8962531

CeGaT Center for Human Genetics Tuebingen
Classification: Uncertain significance. Last evaluated: 2023-10-01. Review status: criteria provided, single submitter. Criteria: CeGaT Center For Human Genetics Tuebingen Variant Classification Criteria Version 2. Collection method: clinical testing. Allele origin: germline. Affected: yes. Observed: 1 variant allele.
Comment: NF2: PM2

Baylor Genetics
Classification: Uncertain significance for Familial meningioma. Last evaluated: 2023-08-06. Review status: criteria provided, single submitter. Criteria: ACMG Guidelines, 2015. Collection method: clinical testing. Allele origin: unknown.

GeneDx
Classification: Uncertain significance. Last evaluated: 2022-12-21. Review status: criteria provided, single submitter. Criteria: GeneDx Variant Classification Process June 2021. Collection method: clinical testing. Allele origin: germline. Affected: yes.
Comment: In silico analysis supports that this missense variant does not alter protein structure/function; Has not been previously published as pathogenic or benign to our knowledge; This variant is associated with the following publications: (PMID: 11756419, 16324214, 28852847)

Genome-Nilou Lab
Classification: Uncertain significance for Neurofibromatosis, type 2. Last evaluated: 2021-11-07. Review status: criteria provided, single submitter. Criteria: ACMG Guidelines, 2015. Collection method: clinical testing. Allele origin: germline. Affected: no.